The following is an entry in ClinVar:

NM_002334.4(LRP4):c.3331G>A (p.Asp1111Asn)

Gene: LRP4 (LDL receptor related protein 4; minus strand). Cytogenetic location: 11p11.2.
Variant type: single nucleotide variant.
Coding change: c.3331G>A on transcript NM_002334.4 (MANE Select); coding-DNA position 3331, G replaced by A.
Protein change: p.Asp1111Asn; replaces aspartic acid 1111 with asparagine.
Molecular consequence: missense variant.
Genome position (GRCh38, 1-based): chr11:46,876,777, C>T on the plus strand (G>A on the coding strand, the complement: LRP4 is on the minus strand). VCF-style: chr11-46876777-C-T. GRCh37 (hg19) VCF-style: chr11-46898328-C-T.
Other names: short protein forms D1111N.
Identifiers: ClinVar variation 574779 (VCV000574779.6), dbSNP rs770071302, ClinGen allele CA5969631.
Genomic context (GRCh38, chr11:46,876,777, plus strand): 5'-GGTCCCTGGGCTAGGAGGAAGGCCCACCTGTGGTGATGATGTCCTCATGCTGTGAGCCAT[C>T]CAGATTGGCACGACTGATCCTGTGCAGTGTGCTGTCAGACCAGTACACCTTTCCTGGAGA-3'
Protein context (NP_002325.2, residues 1101-1121): TLHRISRANL[Asp1111Asn]GSQHEDIITT

ClinVar aggregate classification (germline): Uncertain significance (1 of 4 stars; one submission).

Conditions:
Cenani-Lenz syndactyly syndrome. Also called: CENANI SYNDACTYLISM; SYNDACTYLY, TYPE VII. Identifiers: Orphanet 3258, MedGen C1859309, MONDO:0008931, OMIM 212780.
Sclerosteosis 2 (SOST2). Identifiers: Orphanet 3152, MedGen C3280402, MONDO:0013679, OMIM 614305.
Congenital myasthenic syndrome 17. Identifiers: Orphanet 590, MedGen C4225377, MONDO:0014578, OMIM 616304.

Allele frequency attached by ClinVar (database versions not stated): gnomAD exomes below 0.00001 and 0.00001; ExAC 0.00001; gnomAD 0.00001; TOPMed 0.00001.
gnomAD v4.1: 6 of 1,614,028 alleles (0.00037%); highest among the groups gnomAD compares: Non-Finnish European, 0.00051%; no homozygotes.

Submission:

Labcorp Genetics (formerly Invitae), Labcorp
Classification: Uncertain significance for Cenani-Lenz syndactyly syndrome; Sclerosteosis 2; Congenital myasthenic syndrome 17. Last evaluated: 2021-09-01. Review status: criteria provided, single submitter. Criteria: Invitae Variant Classification Sherloc (09022015). Collection method: clinical testing. Allele origin: germline.
Comment: This sequence change replaces aspartic acid with asparagine at codon 1111 of the LRP4 protein (p.Asp1111Asn). The aspartic acid residue is highly conserved and there is a small physicochemical difference between aspartic acid and asparagine. This variant is present in population databases (rs770071302, ExAC 0.001%). This variant has not been reported in the literature in individuals affected with LRP4-related conditions. Algorithms developed to predict the effect of missense changes on protein structure and function (SIFT, PolyPhen-2, Align-GVGD) all suggest that this variant is likely to be tolerated. In summary, the available evidence is currently insufficient to determine the role of this variant in disease. Therefore, it has been classified as a Variant of Uncertain Significance.